The following is an entry in ClinVar:

NM_032539.5(SLITRK2):c.1495C>A (p.Leu499Met)

Gene: SLITRK2 (SLIT and NTRK like family member 2; plus strand). Cytogenetic location: Xq27.3.
Variant type: single nucleotide variant.
Coding change: c.1495C>A on transcript NM_032539.5 (MANE Select); coding-DNA position 1495, C replaced by A.
Protein change: p.Leu499Met; replaces leucine 499 with methionine.
Molecular consequence: missense variant.
Genome position (GRCh38, 1-based): chrX:145,823,920, C>A. VCF-style: chrX-145823920-C-A. GRCh37 (hg19) VCF-style: chrX-144905438-C-A.
Other names: c.1495C>A, p.Leu499Met (NM_001144003.3, NM_001144004.3, NM_001144005.3 and 4 more transcripts); short protein forms L499M.
Identifiers: ClinVar variation 4291777 (VCV004291777.1).

ClinVar aggregate classification (germline): Uncertain significance (1 of 4 stars; one submission).

Conditions:
Intellectual developmental disorder, X-linked 111 (XLID111). Identifiers: MedGen C5829568, MONDO:0957203, OMIM 301107.

Submission:

3billion
Classification: Uncertain significance for Intellectual developmental disorder, X-linked 111. Last evaluated: 2024-11-21. Review status: criteria provided, single submitter. Criteria: ACMG Guidelines, 2015. Collection method: clinical testing. Allele origin: germline. Affected: yes.
Comment: The variant is not observed in the gnomAD v4.1.0 dataset. Predicted Consequence/Location: Missense variant. Missense changes are a common disease-causing mechanism. In silico tool predictions suggest damaging effect of the variant on gene or gene product [REVEL: 0.74 (>=0.6, sensitivity 0.68 and specificity 0.92)]. Therefore, this variant is classified as VUS according to the recommendation of ACMG/AMP guideline.